The following is an entry in ClinVar:

NM_152564.5(VPS13B):c.7780-22_7780-19del

Gene: VPS13B (vacuolar protein sorting 13 homolog B; plus strand). Cytogenetic location: 8q22.2.
Variant type: Deletion.
Coding change: c.7780-22_7780-19del on transcript NM_152564.5 (MANE Select); 22 bases into the intron before coding-DNA position 7780 through 19 bases into the intron before coding-DNA position 7780, 4 bases deleted (TTTC; older notation c.7780-22_7780-19delTTTC).
Molecular consequence: intron variant.
Genome position (GRCh38, 1-based): chr8:99,784,293-99,784,296, TTTC deleted; deleting any 4 consecutive bases within chr8:99,784,292-99,784,296 gives the same sequence; the c. name uses the placement nearest the transcript's 3' end. VCF-style (leftmost placement, unchanged base first): chr8-99784291-GCTTT-G. GRCh37 (hg19) VCF-style: chr8-100796519-GCTTT-G.
Other names: c.7780-22_7780-19delTTTC (NM_152564.4); c.7855-22_7855-19del (NM_017890.5).
Identifiers: ClinVar variation 2891148 (VCV002891148.4), dbSNP rs781745355, ClinGen allele CA4824304.

ClinVar aggregate classification (germline): Likely benign. Review status: criteria provided, single submitter (1 of 4 stars). 2 submissions from 2 submitters: Likely benign (1). 1 of the submissions does not count toward it. Last evaluated 2025-12-29.

Conditions:
Cohen syndrome (COH1). Also called: PEPPER SYNDROME; Cutis verticis gyrata, retinitis pigmentosa, and sensorineural deafness. Identifiers: Orphanet 193, MedGen C0265223, MONDO:0008999, OMIM 216550.
VPS13B-related disorder. Also called: VPS13B-related condition.

Submissions (2):

Labcorp Genetics (formerly Invitae), Labcorp
Classification: Likely benign for Cohen syndrome. Last evaluated: 2025-12-29. Review status: criteria provided, single submitter. Criteria: Invitae Variant Classification Sherloc (09022015). Collection method: clinical testing. Allele origin: germline.

PreventionGenetics, part of Exact Sciences
Classification: Likely benign for VPS13B-related condition. Last evaluated: 2022-05-24. Review status: no assertion criteria provided. Collection method: clinical testing. Allele origin: germline. Not counted in ClinVar's aggregate classification.
Comment: This variant is classified as likely benign based on ACMG/AMP sequence variant interpretation guidelines (Richards et al. 2015 PMID: 25741868, with internal and published modifications).